The following is an entry in ClinVar:

ClinVar aggregate classification (germline): Uncertain significance (1 of 4 stars; one submission).

Conditions:
Baller-Gerold syndrome (BGS). Also called: CRANIOSYNOSTOSIS WITH RADIAL DEFECTS. Identifiers: Orphanet 1225, MedGen C0265308, MONDO:0009039, OMIM 218600.

Allele frequency attached by ClinVar (database versions not stated): gnomAD exomes below 0.00001.
gnomAD v4.1: 5 of 1,612,518 alleles (0.00031%); highest among the groups gnomAD compares: East Asian, 0.0067%; no homozygotes.

Submission:

Labcorp Genetics (formerly Invitae), Labcorp
Classification: Uncertain significance for Baller-Gerold syndrome. Last evaluated: 2023-05-31. Review status: criteria provided, single submitter. Criteria: Invitae Variant Classification Sherloc (09022015). Collection method: clinical testing. Allele origin: germline.
Comment: In summary, the available evidence is currently insufficient to determine the role of this variant in disease. Therefore, it has been classified as a Variant of Uncertain Significance. Advanced modeling of protein sequence and biophysical properties (such as structural, functional, and spatial information, amino acid conservation, physicochemical variation, residue mobility, and thermodynamic stability) performed at Invitae indicates that this missense variant is expected to disrupt RECQL4 protein function. ClinVar contains an entry for this variant (Variation ID: 1448627). This variant has not been reported in the literature in individuals affected with RECQL4-related conditions. This variant is not present in population databases (gnomAD no frequency). This sequence change replaces glutamine, which is neutral and polar, with arginine, which is basic and polar, at codon 955 of the RECQL4 protein (p.Gln955Arg).

NM_004260.4(RECQL4):c.2864A>G (p.Gln955Arg)

Gene: RECQL4 (RecQ like helicase 4; minus strand). Cytogenetic location: 8q24.3.
Variant type: single nucleotide variant.
Coding change: c.2864A>G on transcript NM_004260.4 (MANE Select); coding-DNA position 2864, A replaced by G.
Protein change: p.Gln955Arg; replaces glutamine 955 with arginine.
Molecular consequence: missense variant.
Genome position (GRCh38, 1-based): chr8:144,512,663, T>C on the plus strand (A>G on the coding strand, the complement: RECQL4 is on the minus strand). VCF-style: chr8-144512663-T-C. GRCh37 (hg19) VCF-style: chr8-145738046-T-C.
Other names: short protein forms Q955R.
Identifiers: ClinVar variation 1448627 (VCV001448627.6), dbSNP rs1827473213, ClinGen allele CA372673942.
Genomic context (GRCh38, chr8:144,512,663, plus strand): 5'-TTCTCCAACCTCGTCTCCAACTGGGCAGGGCGTGCTTACCTGTGGGCCAGGGCCTGGAGC[T>C]GGGCAGGGCCCCCAGGGCAGTTCAGACGGCAATGGGTATAGGTGGTCGCCAGCAGCTCCA-3'
Protein context (NP_004251.4, residues 945-965): CRLNCPGGPA[Gln955Arg]LQALAHRCPP